The following is an entry in ClinVar:

NM_031407.7(HUWE1):c.4376A>T (p.Tyr1459Phe)

Gene: HUWE1 (HECT, UBA and WWE domain containing E3 ubiquitin protein ligase 1; minus strand). Cytogenetic location: Xp11.22.
Variant type: single nucleotide variant.
Coding change: c.4376A>T on transcript NM_031407.7 (MANE Select); coding-DNA position 4376, A replaced by T.
Protein change: p.Tyr1459Phe; replaces tyrosine 1459 with phenylalanine.
Molecular consequence: missense variant.
Genome position (GRCh38, 1-based): chrX:53,589,632, T>A on the plus strand (A>T on the coding strand, the complement: HUWE1 is on the minus strand). VCF-style: chrX-53589632-T-A. GRCh37 (hg19) VCF-style: chrX-53616592-T-A.
Other names: c.4376A>T, p.Tyr1459Phe (NM_001441048.1, NM_001441049.1, NM_001441051.1 and 6 more transcripts); c.4397A>T, p.Tyr1466Phe (NM_001441050.1, NM_001441055.1); short protein forms Y1459F, Y1466F.
Identifiers: ClinVar variation 5017455 (VCV005017455.1).
Genomic context (GRCh38, chrX:53,589,632, plus strand): 5'-ATGTCACGATAATCTGCTCCATTACGTTTGATTGCTGTCATGATCAGGTCACACACACGG[T>A]ATACTGTGTCTGGCAGCTCATCAAGAAGGTGGAAGCAGCCTGGCAACATAGTATCTGTGA-3'
Protein context (NP_113584.3, residues 1449-1469): HLLDELPDTV[Tyr1459Phe]RVCDLIMTAI

ClinVar aggregate classification (germline): Uncertain significance (1 of 4 stars; one submission).

Submission:

GeneDx
Classification: Uncertain significance. Last evaluated: 2026-03-24. Review status: criteria provided, single submitter. Criteria: GeneDx Variant Classification Process June 2021. Collection method: clinical testing. Allele origin: germline.
Comment: Not observed at significant frequency in large population cohorts (gnomAD); In silico analysis supports that this missense variant has a deleterious effect on protein structure/function; Has not been previously published as pathogenic or benign to our knowledge